The following is an entry in ClinVar:

ClinVar aggregate classification (germline): Uncertain significance (1 of 4 stars; one submission).

Allele frequency attached by ClinVar (database versions not stated): gnomAD 0.00001.

Submission:

Labcorp Genetics (formerly Invitae), Labcorp
Classification: Uncertain significance. Last evaluated: 2021-04-27. Review status: criteria provided, single submitter. Criteria: Invitae Variant Classification Sherloc (09022015). Collection method: clinical testing. Allele origin: germline.
Comment: In summary, the available evidence is currently insufficient to determine the role of this variant in disease. Therefore, it has been classified as a Variant of Uncertain Significance. Algorithms developed to predict the effect of missense changes on protein structure and function (SIFT, PolyPhen-2, Align-GVGD) all suggest that this variant is likely to be tolerated, but these predictions have not been confirmed by published functional studies and their clinical significance is uncertain. This variant has not been reported in the literature in individuals with VAC14-related conditions. This variant is not present in population databases (ExAC no frequency). This sequence change replaces serine with isoleucine at codon 745 of the VAC14 protein (p.Ser745Ile). The serine residue is weakly conserved and there is a large physicochemical difference between serine and isoleucine.

NM_018052.5(VAC14):c.2234G>T (p.Ser745Ile)

Gene: VAC14 (VAC14 component of PIKFYVE complex; minus strand). Cytogenetic location: 16q22.1.
Variant type: single nucleotide variant.
Coding change: c.2234G>T on transcript NM_018052.5 (MANE Select); coding-DNA position 2234, G replaced by T.
Protein change: p.Ser745Ile; replaces serine 745 with isoleucine.
Molecular consequence: missense variant.
Genome position (GRCh38, 1-based): chr16:70,688,043, C>A on the plus strand (G>T on the coding strand, the complement: VAC14 is on the minus strand). VCF-style: chr16-70688043-C-A. GRCh37 (hg19) VCF-style: chr16-70721946-C-A.
Other names: c.1532G>T, p.Ser511Ile (NM_001351157.2); short protein forms S511I, S745I.
Identifiers: ClinVar variation 1360597 (VCV001360597.8), dbSNP rs777902676, ClinGen allele CA396586583.